The following is an entry in ClinVar:

ClinVar aggregate classification (germline): Uncertain significance. Review status: criteria provided, multiple submitters, no conflicts (2 of 4 stars). 2 submissions from 2 submitters: Uncertain significance (2). Last evaluated 2024-08-05.

Conditions:
Inborn genetic diseases. Identifiers: MedGen C0950123, MeSH D030342.

Allele frequency attached by ClinVar (database versions not stated): gnomAD exomes 0.00001 and 0.00005; ExAC 0.00006; TOPMed 0.00014; gnomAD 0.00016 and 0.00017; ESP Exome Variant Server 0.00023; 1000 Genomes Project 30x 0.00031; 1000 Genomes Project 0.00040.
gnomAD v4.1: 36 of 1,614,068 alleles (0.0022%); highest among the groups gnomAD compares: African/African-American, 0.045%; no homozygotes.

Submissions (2):

Ambry Genetics
Classification: Uncertain significance for Inborn genetic diseases. Last evaluated: 2024-08-05. Review status: criteria provided, single submitter. Criteria: Ambry Variant Classification Scheme 2023. Collection method: clinical testing. Allele origin: germline.

Laboratory for Molecular Medicine, Mass General Brigham Personalized Medicine
Classification: Uncertain significance. Last evaluated: 2018-10-02. Review status: criteria provided, single submitter. Criteria: LMM Criteria. Collection method: clinical testing. Allele origin: germline. Observed: 1 variant allele.
Comment: The p.Ile437Thr variant in MARVELD2 has not been previously reported in individu als with hearing loss, but has been identified in 0.07% (17/24028) of African ch romosomes by gnomAD. Computational prediction tools and conservation analysis do not provide strong support for or against an impact to the protein. In summary, the clinical significance of the p.Ile437Thr variant is uncertain. ACMG/AMP Criteria applied: PM2_Supporting.

NM_001038603.3(MARVELD2):c.1310T>C (p.Ile437Thr)

Gene: MARVELD2 (MARVEL domain containing 2; plus strand). Cytogenetic location: 5q13.2.
Variant type: single nucleotide variant.
Coding change: c.1310T>C on transcript NM_001038603.3 (MANE Select); coding-DNA position 1310, T replaced by C.
Protein change: p.Ile437Thr; replaces isoleucine 437 with threonine.
Molecular consequence: missense variant.
Genome position (GRCh38, 1-based): chr5:69,432,654, T>C. VCF-style: chr5-69432654-T-C. GRCh37 (hg19) VCF-style: chr5-68728481-T-C.
Other names: c.1274T>C, p.Ile425Thr (NM_001244734.2); short protein forms I425T, I437T.
Identifiers: ClinVar variation 667261 (VCV000667261.5), dbSNP rs140452135, ClinGen allele CA3294223.